The following is an entry in ClinVar:

NM_205836.3(FBXO38):c.337C>T (p.Arg113Ter)

Gene: FBXO38 (F-box protein 38; plus strand). Cytogenetic location: 5q32.
Variant type: single nucleotide variant.
Coding change: c.337C>T on transcript NM_205836.3 (MANE Select); coding-DNA position 337, C replaced by T.
Protein change: p.Arg113Ter; replaces arginine 113 with a stop codon.
Molecular consequence: nonsense.
Genome position (GRCh38, 1-based): chr5:148,402,056, C>T. VCF-style: chr5-148402056-C-T. GRCh37 (hg19) VCF-style: chr5-147781619-C-T.
Other names: c.337C>T, p.Arg113Ter (NM_001271723.2, NM_030793.5); short protein forms R113*.
Identifiers: ClinVar variation 565670 (VCV000565670.10), dbSNP rs1306910725, ClinGen allele CA361654786.

ClinVar aggregate classification (germline): Uncertain significance (1 of 4 stars; one submission).

Conditions:
Distal hereditary motor neuropathy type 2. Identifiers: Orphanet 139525, MedGen C3711384, MeSH C580044, MONDO:0015352.

Allele frequency attached by ClinVar (database versions not stated): gnomAD exomes below 0.00001; TOPMed below 0.00001.

Submission:

Labcorp Genetics (formerly Invitae), Labcorp
Classification: Uncertain significance for Distal hereditary motor neuropathy type 2. Last evaluated: 2019-07-03. Review status: criteria provided, single submitter. Criteria: Invitae Variant Classification Sherloc (09022015). Collection method: clinical testing. Allele origin: germline.
Comment: This sequence change creates a premature translational stop signal (p.Arg113*) in the FBXO38 gene. It is expected to result in an absent or disrupted protein product. This variant is not present in population databases (ExAC no frequency). This variant has not been reported in the literature in individuals with FBXO38-related disease. The current clinical and genetic evidence is not sufficient to establish whether loss-of-function variants in FBXO38 cause disease. In summary, the available evidence is currently insufficient to determine the role of this variant in disease. Therefore, it has been classified as a Variant of Uncertain Significance.